The following is an entry in ClinVar:

NM_182925.5(FLT4):c.313G>A (p.Asp105Asn)

Gene: FLT4 (fms related receptor tyrosine kinase 4; minus strand). Cytogenetic location: 5q35.3.
Variant type: single nucleotide variant.
Coding change: c.313G>A on transcript NM_182925.5 (MANE Select); coding-DNA position 313, G replaced by A.
Protein change: p.Asp105Asn; replaces aspartic acid 105 with asparagine.
Molecular consequence: missense variant.
Genome position (GRCh38, 1-based): chr5:180,630,642, C>T on the plus strand (G>A on the coding strand, the complement: FLT4 is on the minus strand). VCF-style: chr5-180630642-C-T. GRCh37 (hg19) VCF-style: chr5-180057642-C-T.
Other names: c.313G>A (NM_182925.4); c.313G>A, p.Asp105Asn (NM_001354989.2, NM_002020.5); short protein forms D105N.
Identifiers: ClinVar variation 3770634 (VCV003770634.13).
Genomic context (GRCh38, chr5:180,630,642, plus strand): 5'-CCGTGGTGCCCTCGATGCGTGCCTTGATGTACTTGTAGTAGCAGACGTAGCTGCCTGTGT[C>T]GTTGGCATGTACCTCGTGCAGCAGCAACACCTTGCAGTAGGGCCTGGCGTCTGTGCCCTC-3'
Protein context (NP_891555.2, residues 95-115): VLLLHEVHAN[Asp105Asn]TGSYVCYYKY

ClinVar aggregate classification (germline): Conflicting classifications of pathogenicity. Review status: criteria provided, conflicting classifications (1 of 4 stars). 2 submissions from 2 submitters: Uncertain significance (1); Likely benign (1). Last evaluated 2025-03-13.

gnomAD v4.1: 52 of 1,613,074 alleles (0.0032%); highest among the groups gnomAD compares: Admixed American, 0.03%; no homozygotes.

Submissions (2):

GeneDx
Classification: Uncertain significance. Last evaluated: 2025-03-13. Review status: criteria provided, single submitter. Criteria: GeneDx Variant Classification Process June 2021. Collection method: clinical testing. Allele origin: germline. Affected: yes.
Comment: In silico analysis indicates that this missense variant does not alter protein structure/function; Has not been previously published as pathogenic or benign to our knowledge

CeGaT Center for Human Genetics Tuebingen
Classification: Likely benign. Last evaluated: 2025-02-01. Review status: criteria provided, single submitter. Criteria: CeGaT Center For Human Genetics Tuebingen Variant Classification Criteria Version 2. Collection method: clinical testing. Allele origin: germline. Affected: yes. Observed: 1 variant allele.
Comment: FLT4: BP4